The following is an entry in ClinVar:

NM_001042681.2(RERE):c.179A>G (p.Asp60Gly)

Gene: RERE (arginine-glutamic acid dipeptide repeats; minus strand). Cytogenetic location: 1p36.23.
Variant type: single nucleotide variant.
Coding change: c.179A>G on transcript NM_001042681.2 (MANE Select); coding-DNA position 179, A replaced by G.
Protein change: p.Asp60Gly; replaces aspartic acid 60 with glycine.
Molecular consequence: missense variant.
Genome position (GRCh38, 1-based): chr1:8,656,119, T>C on the plus strand (A>G on the coding strand, the complement: RERE is on the minus strand). VCF-style: chr1-8656119-T-C. GRCh37 (hg19) VCF-style: chr1-8716178-T-C.
Other names: c.179A>G, p.Asp60Gly (NM_012102.4); short protein forms D60G.
Identifiers: ClinVar variation 426478 (VCV000426478.2), dbSNP rs1085307646, ClinGen allele CA338222954.

ClinVar aggregate classification (germline): Uncertain significance (1 of 4 stars; one submission).

Submission:

GeneDx
Classification: Uncertain significance. Last evaluated: 2017-11-15. Review status: criteria provided, single submitter. Criteria: GeneDx Variant Classification (06012015). Collection method: clinical testing. Allele origin: germline. Affected: yes.
Comment: The D60G variant in the RERE gene has not been reported previously as a pathogenic variant, nor as a benign variant, to our knowledge. The D60G variant is not observed in large population cohorts (Lek et al., 2016). The D60G variant is a non-conservative amino acid substitution, which is likely to impact secondary protein structure as these residues differ in polarity, charge, size and/or other properties. This substitution occurs at a position that is conserved across species. In silico analysis is inconsistent in its predictions as to whether or not the variant is damaging to the protein structure/function. We interpret D60G as a variant of uncertain significance.